The following is an entry in ClinVar:

ClinVar aggregate classification (germline): Uncertain significance. Review status: criteria provided, multiple submitters, no conflicts (2 of 4 stars). 2 submissions from 2 submitters: Uncertain significance (2). Last evaluated 2026-01-28.

Conditions:
Porokeratosis 3, disseminated superficial actinic type (POROK3). Also called: POROKERATOSIS 3, MULTIPLE TYPES; POROKERATOSIS 3, MIBELLI TYPE; POROKERATOSIS, DISSEMINATED SUPERFICIAL ACTINIC, 1. Identifiers: MedGen C1867981, MONDO:0008293, OMIM 175900.
Mevalonic aciduria (MEVA). Identifiers: Orphanet 29, MedGen C1959626, MONDO:0012481, OMIM 610377.
Hyperimmunoglobulin D with periodic fever (HIDS). Also called: Hyperimmunoglobulinemia D; Hyperimmunoglobulinemia D with periodic fever; HYPERIMMUNOGLOBULINEMIA D AND PERIODIC FEVER SYNDROME. Identifiers: Orphanet 343, MedGen C0398691, MONDO:0009849, OMIM 260920.

Allele frequency attached by ClinVar (database versions not stated): gnomAD exomes 0.00002; ExAC 0.00005; ESP Exome Variant Server 0.00008; gnomAD 0.00011; TOPMed 0.00011; 1000 Genomes Project 30x 0.00016; 1000 Genomes Project 0.00020.

Submissions (2):

Labcorp Genetics (formerly Invitae), Labcorp
Classification: Uncertain significance for Mevalonic aciduria; Hyperimmunoglobulin D with periodic fever; Porokeratosis 3, disseminated superficial actinic type. Last evaluated: 2026-01-28. Review status: criteria provided, single submitter. Criteria: Invitae Variant Classification Sherloc (09022015). Collection method: clinical testing. Allele origin: germline.
Comment: This sequence change replaces alanine, which is neutral and non-polar, with threonine, which is neutral and polar, at codon 313 of the MVK protein (p.Ala313Thr). This variant is present in population databases (rs371789705, gnomAD 0.02%). This variant has not been reported in the literature in individuals affected with MVK-related conditions. ClinVar contains an entry for this variant (Variation ID: 645386). An algorithm developed to predict the effect of missense changes on protein structure and function outputs the following: PolyPhen-2: "Benign". The threonine amino acid residue is found in multiple mammalian species, which suggests that this missense change does not adversely affect protein function. In summary, the available evidence is currently insufficient to determine the role of this variant in disease. Therefore, it has been classified as a Variant of Uncertain Significance.

Fulgent Genetics
Classification: Uncertain significance for Porokeratosis 3, disseminated superficial actinic type; Hyperimmunoglobulin D with periodic fever; Mevalonic aciduria. Last evaluated: 2024-06-01. Review status: criteria provided, single submitter. Criteria: ACMG Guidelines, 2015. Collection method: clinical testing. Allele origin: germline.

NM_000431.4(MVK):c.937G>A (p.Ala313Thr)

Gene: MVK (mevalonate kinase; plus strand). Cytogenetic location: 12q24.11.
Variant type: single nucleotide variant.
Coding change: c.937G>A on transcript NM_000431.4 (MANE Select); coding-DNA position 937, G replaced by A.
Protein change: p.Ala313Thr; replaces alanine 313 with threonine.
Molecular consequence: missense variant.
Genome position (GRCh38, 1-based): chr12:109,595,079, G>A. VCF-style: chr12-109595079-G-A. GRCh37 (hg19) VCF-style: chr12-110032884-G-A.
Other names: c.937G>A, p.Ala313Thr (NM_001114185.3); c.781G>A, p.Ala261Thr (NM_001301182.2); short protein forms A313T, A261T.
Identifiers: ClinVar variation 645386 (VCV000645386.8), dbSNP rs371789705, ClinGen allele CA6779420.